The following is an entry in ClinVar:

ClinVar aggregate classification (germline): Uncertain significance (1 of 4 stars; one submission).

gnomAD v4.1: 2 of 1,614,144 alleles (0.00012%); highest among the groups gnomAD compares: East Asian, 0.0022%; no homozygotes.

Submission:

Mayo Clinic Laboratories, Mayo Clinic
Classification: Uncertain significance. Last evaluated: 2025-10-27. Review status: criteria provided, single submitter. Criteria: ACMG Guidelines, 2015. Collection method: clinical testing. Allele origin: germline. Observed: 1 variant allele.
Comment: PP3, PM2_supporting

NM_001375808.2(LPIN2):c.2110C>G (p.Leu704Val)

Gene: LPIN2 (lipin 2; minus strand). Cytogenetic location: 18p11.31.
Variant type: single nucleotide variant.
Coding change: c.2110C>G on transcript NM_001375808.2 (MANE Select); coding-DNA position 2110, C replaced by G.
Protein change: p.Leu704Val; replaces leucine 704 with valine.
Molecular consequence: missense variant.
Genome position (GRCh38, 1-based): chr18:2,923,839, G>C on the plus strand (C>G on the coding strand, the complement: LPIN2 is on the minus strand). VCF-style: chr18-2923839-G-C. GRCh37 (hg19) VCF-style: chr18-2923837-G-C.
Other names: p.Leu704Val; c.2110C>G, p.Leu704Val (NM_001375809.1, NM_014646.2); short protein forms L704V.
Identifiers: ClinVar variation 4542241 (VCV004542241.1).